The following is an entry in ClinVar:

NM_174936.4(PCSK9):c.996+37_996+43del

Gene: PCSK9 (proprotein convertase subtilisin/kexin type 9; plus strand). Cytogenetic location: 1p32.3.
Variant type: Deletion.
Coding change: c.996+37_996+43del on transcript NM_174936.4 (MANE Select); bases 37 to 43 of the intron after coding-DNA position 996, 7 bases deleted (GGGGCGG; older notation c.996+37_996+43delGGGGCGG).
Molecular consequence: intron variant.
Genome position (GRCh38, 1-based): chr1:55,056,226-55,056,232, GGGGCGG deleted; deleting any 7 consecutive bases within chr1:55,056,225-55,056,232 gives the same sequence; the c. name uses the placement nearest the transcript's 3' end. VCF-style (leftmost placement, unchanged base first): chr1-55056224-AGGGGGCG-A. GRCh37 (hg19) VCF-style: chr1-55521897-AGGGGGCG-A.
Identifiers: ClinVar variation 1711217 (VCV001711217.30), dbSNP rs747943483, ClinGen allele CA045340.

ClinVar aggregate classification (germline): Benign (1 of 4 stars; one submission).

Submission:

CeGaT Center for Human Genetics Tuebingen
Classification: Benign. Last evaluated: 2022-10-01. Review status: criteria provided, single submitter. Criteria: CeGaT Center For Human Genetics Tuebingen Variant Classification Criteria Version 2. Collection method: clinical testing. Allele origin: germline. Affected: yes. Observed: 5 variant alleles.
Comment: PCSK9: BS1, BS2